The following is an entry in ClinVar:

ClinVar aggregate classification (germline): Uncertain significance. Review status: criteria provided, multiple submitters, no conflicts (2 of 4 stars). 3 submissions from 3 submitters: Uncertain significance (3). Last evaluated 2025-09-26.

Conditions:
CFI-related disorder. Also called: CFI-related condition; CFI-related disorders. Identifiers: MedGen CN239325.

Allele frequency attached by ClinVar (database versions not stated): gnomAD exomes below 0.00001.
gnomAD v4.1: 7 of 1,614,162 alleles (0.00043%); highest among the groups gnomAD compares: South Asian, 0.0011%; no homozygotes.

Submissions (3):

Genomenon, Inc
Classification: Uncertain significance for CFI-related disorder. Last evaluated: 2025-09-26. Review status: criteria provided, single submitter. Criteria: Genomenon Sequence Variant Interpretation Standards - Updated. Collection method: curation. Allele origin: germline. Affected: no.
Comment: CFI p.Met532Val (c.1594A>G) is a missense variant that changes the amino acid at residue 532 from Methionine to Valine. To our knowledge, this variant has not been reported in patients affected with CFI-related disorders in the published literature. Functional studies have been reported; however, the significance of the findings remain unclear (PMID:32510551). It is absent or not present at a significant frequency in gnomAD. In silico models agree that this variant is not damaging. In conclusion, we classify CFI p.Met532Val (c.1594A>G) as a variant of unknown significance.

Women's Health and Genetics/Laboratory Corporation of America, LabCorp
Classification: Uncertain significance. Last evaluated: 2024-08-14. Review status: criteria provided, single submitter. Criteria: LabCorp Variant Classification Summary - May 2015. Collection method: clinical testing. Allele origin: germline.
Comment: Variant summary: CFI c.1594A>G (p.Met532Val) results in a conservative amino acid change located in the Serine proteases, trypsin domain (IPR001254) of the encoded protein sequence. Five of five in-silico tools predict a benign effect of the variant on protein function. The variant was absent in 251330 control chromosomes. The available data on variant occurrences in the general population are insufficient to allow any conclusion about variant significance. c.1594A>G has been reported in the literature in individuals affected with Age-Related Macular Degeneration without reported second variant (e.g. Tan_2017, deJong_2020). These reports do not provide unequivocal conclusions about association of the variant with Complement Factor I Deficiency. Two publications report experimental evidence evaluating an impact on protein function, however, none of these studies allows convincing conclusions about the variant effect (e.g. Tan_2017, deJong_2020). The following publications have been ascertained in the context of this evaluation (PMID: 28282489, 32510551). ClinVar contains an entry for this variant (Variation ID: 2822721). Based on the evidence outlined above, the variant was classified as uncertain significance.

Labcorp Genetics (formerly Invitae), Labcorp
Classification: Uncertain significance. Last evaluated: 2022-12-20. Review status: criteria provided, single submitter. Criteria: Invitae Variant Classification Sherloc (09022015). Collection method: clinical testing. Allele origin: germline.
Comment: In summary, the available evidence is currently insufficient to determine the role of this variant in disease. Therefore, it has been classified as a Variant of Uncertain Significance. Advanced modeling of protein sequence and biophysical properties (such as structural, functional, and spatial information, amino acid conservation, physicochemical variation, residue mobility, and thermodynamic stability) performed at Invitae indicates that this missense variant is not expected to disrupt CFI protein function. This missense change has been observed in individual(s) with age-related macular degeneration (PMID: 28282489, 32510551). This variant is not present in population databases (gnomAD no frequency). This sequence change replaces methionine, which is neutral and non-polar, with valine, which is neutral and non-polar, at codon 532 of the CFI protein (p.Met532Val).

Literature cited by the submitters: PubMed 32510551 (cited by 3 submitters); PubMed 28282489 (cited by Women's Health and Genetics/Laboratory Corporation of America, LabCorp and Labcorp Genetics (formerly Invitae), Labcorp).

NM_000204.5(CFI):c.1594A>G (p.Met532Val)

Gene: CFI (complement factor I; minus strand). Cytogenetic location: 4q25.
Variant type: single nucleotide variant.
Coding change: c.1594A>G on transcript NM_000204.5 (MANE Select); coding-DNA position 1594, A replaced by G.
Protein change: p.Met532Val; replaces methionine 532 with valine.
Molecular consequence: missense variant. On other transcripts: non-coding transcript variant (3), intron variant (5).
Genome position (GRCh38, 1-based): chr4:109,741,051, T>C on the plus strand (A>G on the coding strand, the complement: CFI is on the minus strand). VCF-style: chr4-109741051-T-C. GRCh37 (hg19) VCF-style: chr4-110662207-T-C.
Other names: c.1618A>G, p.Met540Val (NM_001318057.2); c.1573A>G, p.Met525Val (NM_001331035.2); c.1537A>G, p.Met513Val (NM_001375283.1); c.985A>G, p.Met329Val (NM_001375284.1); c.1513+1440A>G (NM_001375282.1, NM_001375280.1); c.1534+1440A>G (NM_001375281.1, NM_001375279.1); c.1558+1440A>G (NM_001375278.1); short protein forms M513V, M525V, M532V, M329V, M540V.
Identifiers: ClinVar variation 2822721 (VCV002822721.5), dbSNP rs1723730571, ClinGen allele CA357854616.
Genomic context (GRCh38, chr4:109,741,051, plus strand): 5'-TTCCACAGTTTTCCCCCCAACTCACAACACCCCAGACATAAGTCACATTGTTGGCATCCA[T>C]ACAGACTAAGGGGCCTCCAGAGTCCCCTTTACAGGCATCGATGGAACCATCATATGTACC-3'
Protein context (NP_000195.3, residues 522-542): KGDSGGPLVC[Met532Val]DANNVTYVWG